The following is an entry in ClinVar:

ClinVar aggregate classification (germline): Uncertain significance. Review status: criteria provided, single submitter (1 of 4 stars). 2 submissions from 2 submitters: Uncertain significance (1). 1 of the submissions does not count toward it. Last evaluated 2023-12-18.

Conditions:
Cohen syndrome (COH1). Also called: PEPPER SYNDROME; Cutis verticis gyrata, retinitis pigmentosa, and sensorineural deafness. Identifiers: Orphanet 193, MedGen C0265223, MONDO:0008999, OMIM 216550.
VPS13B-related disorder. Also called: VPS13B-related condition.

Allele frequency attached by ClinVar (database versions not stated): gnomAD 0.00001; TOPMed 0.00001.
gnomAD v4.1: 3 of 1,612,852 alleles (0.00019%); highest among the groups gnomAD compares: African/African-American, 0.004%; no homozygotes.

Submissions (2):

Labcorp Genetics (formerly Invitae), Labcorp
Classification: Uncertain significance for Cohen syndrome. Last evaluated: 2023-12-18. Review status: criteria provided, single submitter. Criteria: Invitae Variant Classification Sherloc (09022015). Collection method: clinical testing. Allele origin: germline.
Comment: This sequence change replaces serine, which is neutral and polar, with asparagine, which is neutral and polar, at codon 1353 of the VPS13B protein (p.Ser1353Asn). This variant is not present in population databases (gnomAD no frequency). This variant has not been reported in the literature in individuals affected with VPS13B-related conditions. Advanced modeling of protein sequence and biophysical properties (such as structural, functional, and spatial information, amino acid conservation, physicochemical variation, residue mobility, and thermodynamic stability) performed at Invitae indicates that this missense variant is expected to disrupt VPS13B protein function with a positive predictive value of 80%. In summary, the available evidence is currently insufficient to determine the role of this variant in disease. Therefore, it has been classified as a Variant of Uncertain Significance.

PreventionGenetics, part of Exact Sciences
Classification: Uncertain significance for VPS13B-related condition. Last evaluated: 2024-03-23. Review status: no assertion criteria provided. Collection method: clinical testing. Allele origin: germline. Not counted in ClinVar's aggregate classification.
Comment: The VPS13B c.4058G>A variant is predicted to result in the amino acid substitution p.Ser1353Asn. To our knowledge, this variant has not been reported in the literature or in a large population database, indicating this variant is rare. At this time, the clinical significance of this variant is uncertain due to the absence of conclusive functional and genetic evidence.

NM_152564.5(VPS13B):c.4058G>A (p.Ser1353Asn)

Gene: VPS13B (vacuolar protein sorting 13 homolog B; plus strand). Cytogenetic location: 8q22.2.
Variant type: single nucleotide variant.
Coding change: c.4058G>A on transcript NM_152564.5 (MANE Select); coding-DNA position 4058, G replaced by A.
Protein change: p.Ser1353Asn; replaces serine 1353 with asparagine.
Molecular consequence: missense variant.
Genome position (GRCh38, 1-based): chr8:99,502,851, G>A. VCF-style: chr8-99502851-G-A. GRCh37 (hg19) VCF-style: chr8-100515079-G-A.
Other names: c.4058G>A, p.Ser1353Asn (NM_017890.5); c.4058G>A (NM_152564.4); short protein forms S1353N.
Identifiers: ClinVar variation 1484805 (VCV001484805.7), dbSNP rs1160697460, ClinGen allele CA371869920.